The following is an entry in ClinVar:

NM_001379200.1(TBX1):c.851C>T (p.Ala284Val)

Gene: TBX1 (T-box transcription factor 1; plus strand). Cytogenetic location: 22q11.21.
Variant type: single nucleotide variant.
Coding change: c.851C>T on transcript NM_001379200.1 (MANE Select); coding-DNA position 851, C replaced by T.
Protein change: p.Ala284Val; replaces alanine 284 with valine.
Molecular consequence: missense variant.
Genome position (GRCh38, 1-based): chr22:19,765,097, C>T. VCF-style: chr22-19765097-C-T. GRCh37 (hg19) VCF-style: chr22-19752620-C-T.
Other names: c.824C>T, p.Ala275Val (NM_005992.1, NM_080646.2, NM_080647.1); short protein forms A275V, A284V.
Identifiers: ClinVar variation 1311298 (VCV001311298.2), dbSNP rs2145835323, ClinGen allele CA410683527.
Genomic context (GRCh38, chr22:19,765,097, plus strand): 5'-ATGCCGAGGAGAACTTCAAAACCTTTGTGTTCGAGGAGACACGATTCACCGCGGTCACTG[C>T]CTACCAGAACCATCGGGTGAGGGCCTGTGGGGAGGACCTGAGCGGATTCAACGCCTCTGG-3'
Protein context (NP_001366129.1, residues 274-294): FEETRFTAVT[Ala284Val]YQNHRITQLK

ClinVar aggregate classification (germline): Uncertain significance (1 of 4 stars; one submission).

Submission:

GeneDx
Classification: Uncertain significance. Last evaluated: 2019-12-18. Review status: criteria provided, single submitter. Criteria: GeneDx Variant Classification Process June 2021. Collection method: clinical testing. Allele origin: germline. Affected: yes.
Comment: Not observed in large population cohorts (Lek et al., 2016); In silico analysis, which includes protein predictors and evolutionary conservation, supports a deleterious effect; Has not been previously published as pathogenic or benign to our knowledge